The following is an entry in ClinVar:

NM_001379110.1(SLC9A6):c.992-3T>C

Gene: SLC9A6 (solute carrier family 9 member A6; plus strand). Cytogenetic location: Xq26.3.
Variant type: single nucleotide variant.
Coding change: c.992-3T>C on transcript NM_001379110.1 (MANE Select); 3 bases into the intron before coding-DNA position 992, T replaced by C.
Molecular consequence: intron variant.
Genome position (GRCh38, 1-based): chrX:136,013,346, T>C. VCF-style: chrX-136013346-T-C. GRCh37 (hg19) VCF-style: chrX-135095505-T-C.
Other names: c.1148-3T>C (NM_001042537.2); c.1052-3T>C (NM_006359.3); c.992-3T>C (NM_001177651.2); c.896-3T>C (NM_001330652.2).
Identifiers: ClinVar variation 969959 (VCV000969959.10), dbSNP rs2070958568, ClinGen allele CA1139667798.

ClinVar aggregate classification (germline): Uncertain significance (1 of 4 stars; one submission).

Conditions:
Christianson syndrome (MRXSCH). Also called: INTELLECTUAL DEVELOPMENTAL DISORDER, X-LINKED, SYNDROMIC, CHRISTIANSON TYPE; X-linked mental retardation, syndromic, Christianson type; SLC9A6-Related Syndromic Mental Retardation. Identifiers: Orphanet 85278, MedGen C2678194, MONDO:0010278, OMIM 300243.

Submission:

Labcorp Genetics (formerly Invitae), Labcorp
Classification: Uncertain significance for Christianson syndrome. Last evaluated: 2022-09-07. Review status: criteria provided, single submitter. Criteria: Invitae Variant Classification Sherloc (09022015). Collection method: clinical testing. Allele origin: germline.
Comment: This variant has not been reported in the literature in individuals affected with SLC9A6-related conditions. In summary, the available evidence is currently insufficient to determine the role of this variant in disease. Therefore, it has been classified as a Variant of Uncertain Significance. Variants that disrupt the consensus splice site are a relatively common cause of aberrant splicing (PMID: 17576681, 9536098). Algorithms developed to predict the effect of sequence changes on RNA splicing suggest that this variant is not likely to affect RNA splicing. ClinVar contains an entry for this variant (Variation ID: 969959). This variant is not present in population databases (gnomAD no frequency). This sequence change falls in intron 8 of the SLC9A6 gene. It does not directly change the encoded amino acid sequence of the SLC9A6 protein. It affects a nucleotide within the consensus splice site.

Literature cited by the submitters: PubMed 17576681; PubMed 9536098.